The following is an entry in ClinVar:

ClinVar aggregate classification (germline): Likely benign (1 of 4 stars; one submission).

Conditions:
DYSF-related disorder. Also called: DYSF-related condition; DYSF-related disorders.

Submission:

PreventionGenetics, part of Exact Sciences
Classification: Likely benign for DYSF-related condition. Last evaluated: 2024-12-06. Review status: criteria provided, single submitter. Criteria: ACMG Guidelines, 2015. Collection method: clinical testing. Allele origin: germline.
Comment: This variant is classified as likely benign based on ACMG/AMP sequence variant interpretation guidelines (Richards et al. 2015 PMID: 25741868, with internal and published modifications).

NM_001130987.2(DYSF):c.369C>A (p.Ser123=)

Gene: DYSF (dysferlin; plus strand). Cytogenetic location: 2p13.2.
Variant type: single nucleotide variant.
Coding change: c.369C>A on transcript NM_001130987.2 (MANE Select); coding-DNA position 369, C replaced by A.
Protein change: p.Ser123=; no amino-acid change (serine 123 retained).
Molecular consequence: synonymous variant.
Genome position (GRCh38, 1-based): chr2:71,511,830, C>A. VCF-style: chr2-71511830-C-A. GRCh37 (hg19) VCF-style: chr2-71738960-C-A.
Other names: c.369C>A, p.Ser123= (NM_001130455.2, NM_001130982.2, NM_001130983.2 and 3 more transcripts); c.366C>A, p.Ser122= (NM_001130976.2, NM_001130977.2, NM_001130978.2 and 4 more transcripts).
Identifiers: ClinVar variation 4982822 (VCV004982822.1).